The following is an entry in ClinVar:

ClinVar aggregate classification (germline): Benign (1 of 4 stars; one submission).

Allele frequency attached by ClinVar (database versions not stated): gnomAD 0.46117; TOPMed 0.48148; 1000 Genomes Project 0.49561; 1000 Genomes Project 30x 0.49563.
gnomAD v4.1: 69,756 of 151,890 alleles (46%); highest among the groups gnomAD compares: African/African-American, 69%; 17,816 homozygotes.

Submission:

GeneDx
Classification: Benign. Last evaluated: 2018-06-14. Review status: criteria provided, single submitter. Criteria: GeneDx Variant Classification (06012015). Collection method: clinical testing. Allele origin: germline. Affected: yes.
Comment: This variant is considered likely benign or benign based on one or more of the following criteria: it is a conservative change, it occurs at a poorly conserved position in the protein, it is predicted to be benign by multiple in silico algorithms, and/or has population frequency not consistent with disease.

NM_012414.4(RAB3GAP2):c.612+281G>C

Gene: RAB3GAP2 (RAB3 GTPase activating non-catalytic protein subunit 2; minus strand). Cytogenetic location: 1q41.
Variant type: single nucleotide variant.
Coding change: c.612+281G>C on transcript NM_012414.4 (MANE Select); 281 bases into the intron after coding-DNA position 612, G replaced by C.
Molecular consequence: intron variant.
Genome position (GRCh38, 1-based): chr1:220,210,107, C>G on the plus strand (G>C on the coding strand, the complement: RAB3GAP2 is on the minus strand). VCF-style: chr1-220210107-C-G. GRCh37 (hg19) VCF-style: chr1-220383449-C-G.
Identifiers: ClinVar variation 680734 (VCV000680734.1), dbSNP rs4511114, ClinGen allele CA15111936.